The following is an entry in ClinVar:

ClinVar aggregate classification (germline): Uncertain significance. Review status: criteria provided, multiple submitters, no conflicts (2 of 4 stars). 3 submissions from 3 submitters: Uncertain significance (3). Last evaluated 2024-01-11.

Conditions:
Hereditary nonpolyposis colorectal neoplasms. Identifiers: MedGen C0009405, MeSH D003123.
Hereditary cancer-predisposing syndrome. Also called: Neoplastic Syndromes, Hereditary; Tumor predisposition; Hereditary Cancer Syndrome; Hereditary neoplastic syndrome. Identifiers: Orphanet 140162, MedGen C0027672, MeSH D009386, MONDO:0015356.

Submissions (3):

Ambry Genetics
Classification: Uncertain significance for Hereditary cancer-predisposing syndrome. Last evaluated: 2024-01-11. Review status: criteria provided, single submitter. Criteria: Ambry Variant Classification Scheme 2023. Collection method: clinical testing. Allele origin: germline.
Comment: The p.G749V variant (also known as c.2246G>T), located in coding exon 4 of the MSH6 gene, results from a G to T substitution at nucleotide position 2246. The glycine at codon 749 is replaced by valine, an amino acid with dissimilar properties. This amino acid position is well conserved in available vertebrate species. In addition, this alteration is predicted to be deleterious by in silico analysis. Since supporting evidence is limited at this time, the clinical significance of this alteration remains unclear.

Color Diagnostics, LLC DBA Color Health
Classification: Uncertain significance for Hereditary cancer-predisposing syndrome. Last evaluated: 2023-12-05. Review status: criteria provided, single submitter. Criteria: ACMG Guidelines, 2015. Collection method: clinical testing. Allele origin: germline.
Comment: This missense variant replaces glycine with valine at codon 749 of the MSH6 protein. Computational prediction is inconclusive regarding the impact of this variant on protein structure and function (internally defined REVEL score threshold 0.5 < inconclusive < 0.7, PMID: 27666373). To our knowledge, functional studies have not been reported for this variant. This variant has not been reported in individuals affected with MSH6-related disorders in the literature. This variant has not been identified in the general population by the Genome Aggregation Database (gnomAD). The available evidence is insufficient to determine the role of this variant in disease conclusively. Therefore, this variant is classified as a Variant of Uncertain Significance.

Labcorp Genetics (formerly Invitae), Labcorp
Classification: Uncertain significance for Hereditary nonpolyposis colorectal neoplasms. Last evaluated: 2023-01-16. Review status: criteria provided, single submitter. Criteria: Invitae Variant Classification Sherloc (09022015). Collection method: clinical testing. Allele origin: germline.
Comment: This sequence change replaces glycine, which is neutral and non-polar, with valine, which is neutral and non-polar, at codon 749 of the MSH6 protein (p.Gly749Val). This variant is not present in population databases (gnomAD no frequency). This variant has not been reported in the literature in individuals affected with MSH6-related conditions. ClinVar contains an entry for this variant (Variation ID: 483771). Advanced modeling of protein sequence and biophysical properties (such as structural, functional, and spatial information, amino acid conservation, physicochemical variation, residue mobility, and thermodynamic stability) performed at Invitae indicates that this missense variant is not expected to disrupt MSH6 protein function. In summary, the available evidence is currently insufficient to determine the role of this variant in disease. Therefore, it has been classified as a Variant of Uncertain Significance.

NM_000179.3(MSH6):c.2246G>T (p.Gly749Val)

Gene: MSH6 (mutS homolog 6; plus strand). Cytogenetic location: 2p16.3.
Variant type: single nucleotide variant.
Coding change: c.2246G>T on transcript NM_000179.3 (MANE Select); coding-DNA position 2246, G replaced by T.
Protein change: p.Gly749Val; replaces glycine 749 with valine.
Molecular consequence: missense variant.
Genome position (GRCh38, 1-based): chr2:47,800,229, G>T. VCF-style: chr2-47800229-G-T. GRCh37 (hg19) VCF-style: chr2-48027368-G-T.
Other names: c.1856G>T, p.Gly619Val (NM_001281492.2); c.1340G>T, p.Gly447Val (NM_001281493.2, NM_001281494.2); short protein forms G749V, G619V, G447V.
Identifiers: ClinVar variation 483771 (VCV000483771.19), dbSNP rs1060502916, ClinGen allele CA346752639.